The following is an entry in ClinVar:

NM_033380.3(COL4A5):c.3634dup (p.Ile1212fs)

Gene: COL4A5 (collagen type IV alpha 5 chain; plus strand). Cytogenetic location: Xq22.3.
Variant type: Duplication.
Coding change: c.3634dup on transcript NM_033380.3 (MANE Select); coding-DNA position 3634, one base duplicated (A; older notation c.3634dupA).
Protein change: p.Ile1212fs; shifts the reading frame from isoleucine 1212.
Molecular consequence: frameshift variant.
Genome position (GRCh38, 1-based): chrX:108,668,348, A duplicated. VCF-style (leftmost placement, unchanged base first): chrX-108668347-G-GA. GRCh37 (hg19) VCF-style: chrX-107911577-G-GA.
Other names: c.3634dup, p.Ile1212fs (NM_000495.5); short protein forms I1212fs.
Identifiers: ClinVar variation 1333397 (VCV001333397.1), dbSNP rs2147959089, ClinGen allele CA2573055065.

ClinVar aggregate classification (germline): Likely pathogenic (1 of 4 stars; one submission).

Conditions:
X-linked Alport syndrome (ATS1). Also called: NEPHROPATHY AND DEAFNESS, X-LINKED; COL4A5-Related Nephropathy. Identifiers: Orphanet 63, Orphanet 88917, MedGen C4746986, MONDO:0010520, OMIM 301050.

Submission:

3billion
Classification: Likely pathogenic for X-linked Alport syndrome. Last evaluated: 2022-01-03. Review status: criteria provided, single submitter. Criteria: ACMG Guidelines, 2015. Collection method: clinical testing. Allele origin: germline. Affected: yes. Observed: 1 hemizygote.
Comment: Frameshift: predicted to result in a loss or disruption of normal protein function through nonsense-mediated decay (NMD) or protein truncation. Multiple pathogenic variants are reported downstream of the variant (PVS1_VS). It is not observed in the gnomAD v2.1.1 dataset (PM2_M). Therefore, this variant is classified as likely pathogenic according to the recommendation of ACMG/AMP guideline.